The following is an entry in ClinVar:

ClinVar aggregate classification (germline): Pathogenic (1 of 4 stars; one submission).

Conditions:
Hereditary breast ovarian cancer syndrome. Also called: Hereditary breast and ovarian cancer syndrome; Hereditary breast and ovarian cancer; Hereditary breast and ovarian cancer syndrome (HBOC); Breast and ovarian cancer; Hereditary breast and/or ovarian cancer syndrome; BRCA1- and BRCA2-Associated Hereditary Breast and Ovarian Cancer. Identifiers: Orphanet 145, MedGen C0677776, MeSH D061325, MONDO:0003582. Disease mechanism: loss of function.

Submission:

Labcorp Genetics (formerly Invitae), Labcorp
Classification: Pathogenic for Hereditary breast ovarian cancer syndrome. Last evaluated: 2023-04-12. Review status: criteria provided, single submitter. Criteria: Invitae Variant Classification Sherloc (09022015). Collection method: clinical testing. Allele origin: unknown.
Comment: This variant results in the deletion of exons 11-18 and part of exon 10 (c.3590_5194-1848del) of the BRCA1 gene. It is expected to disrupt RNA splicing. Variants that disrupt the donor or acceptor splice site typically lead to a loss of protein function (PMID: 16199547), and loss-of-function variants in BRCA1 are known to be pathogenic (PMID: 20104584). For these reasons, this variant has been classified as Pathogenic. This variant disrupts a region of the BRCA1 protein in which other variant(s) (p.Ser1722Phe) have been determined to be pathogenic (PMID: 12496477, 20516115, 22476429, 25085752). This suggests that this is a clinically significant region of the protein, and that variants that disrupt it are likely to be disease-causing. This variant has not been reported in the literature in individuals affected with BRCA1-related conditions.

Literature cited by the submitters: PubMed 16199547; PubMed 20104584; PubMed 12496477; PubMed 20516115; PubMed 22476429; PubMed 25085752.

NC_000017.10:g.(?_41211000)_(41243958_?)del

Gene: BRCA1 (BRCA1 DNA repair associated; minus strand). Cytogenetic location: 17q21.31.
Variant type: Deletion.
Identifiers: ClinVar variation 3243019 (VCV003243019.1).